The following is an entry in ClinVar:

ClinVar aggregate classification (germline): Benign/Likely benign. Review status: criteria provided, multiple submitters, no conflicts (2 of 4 stars). 2 submissions from 2 submitters: Benign (1); Likely benign (1). Last evaluated 2026-01-18.

Allele frequency attached by ClinVar (database versions not stated): TOPMed 0.00087; gnomAD 0.00092 and 0.00096; gnomAD exomes 0.00101 and 0.00113; ESP Exome Variant Server 0.00123; ExAC 0.00125.
gnomAD v4.1: 1,786 of 1,614,072 alleles (0.11%); highest among the groups gnomAD compares: Non-Finnish European, 0.12%; 4 homozygotes.

Submissions (2):

Labcorp Genetics (formerly Invitae), Labcorp
Classification: Benign. Last evaluated: 2026-01-18. Review status: criteria provided, single submitter. Criteria: Invitae Variant Classification Sherloc (09022015). Collection method: clinical testing. Allele origin: germline.

CeGaT Center for Human Genetics Tuebingen
Classification: Likely benign. Last evaluated: 2023-08-01. Review status: criteria provided, single submitter. Criteria: CeGaT Center For Human Genetics Tuebingen Variant Classification Criteria Version 2. Collection method: clinical testing. Allele origin: germline. Affected: yes. Observed: 1 variant allele.
Comment: DIP2C: BP4, BP7

NM_014974.3(DIP2C):c.3831G>A (p.Gln1277=)

Gene: DIP2C (DIP2 acetate--CoA ligase C (putative); minus strand). Cytogenetic location: 10p15.3.
Variant type: single nucleotide variant.
Coding change: c.3831G>A on transcript NM_014974.3 (MANE Select); coding-DNA position 3831, G replaced by A.
Protein change: p.Gln1277=; no amino-acid change (glutamine 1277 retained).
Molecular consequence: synonymous variant.
Genome position (GRCh38, 1-based): chr10:327,099, C>T on the plus strand (G>A on the coding strand, the complement: DIP2C is on the minus strand). VCF-style: chr10-327099-C-T. GRCh37 (hg19) VCF-style: chr10-373039-C-T.
Identifiers: ClinVar variation 1601233 (VCV001601233.32), dbSNP rs141877361, ClinGen allele CA5379776.